The following is an entry in ClinVar:

NM_000094.4(COL7A1):c.8786G>T (p.Cys2929Phe)

Gene: COL7A1 (collagen type VII alpha 1 chain; minus strand). Cytogenetic location: 3p21.31.
Variant type: single nucleotide variant.
Coding change: c.8786G>T on transcript NM_000094.4 (MANE Select); coding-DNA position 8786, G replaced by T.
Protein change: p.Cys2929Phe; replaces cysteine 2929 with phenylalanine.
Molecular consequence: missense variant.
Genome position (GRCh38, 1-based): chr3:48,564,815, C>A on the plus strand (G>T on the coding strand, the complement: COL7A1 is on the minus strand). VCF-style: chr3-48564815-C-A. GRCh37 (hg19) VCF-style: chr3-48602248-C-A.
Other names: short protein forms C2929F.
Identifiers: ClinVar variation 2783604 (VCV002783604.5), dbSNP rs2043530046, ClinGen allele CA352632598.

ClinVar aggregate classification (germline): Pathogenic/Likely pathogenic. Review status: criteria provided, multiple submitters, no conflicts (2 of 4 stars). 3 submissions from 3 submitters: Pathogenic (1); Likely pathogenic (2). Last evaluated 2026-01-08.

Conditions:
Recessive dystrophic epidermolysis bullosa (RDEB). Also called: DYSTROPHIC EPIDERMOLYSIS BULLOSA, AUTOSOMAL RECESSIVE; EPIDERMOLYSIS BULLOSA DYSTROPHICA, HALLOPEAU-SIEMENS TYPE; Hallopeau-Siemens Disease; severe generalized recessive dystrophic epidermolysis bullosa; EPIDERMOLYSIS BULLOSA DYSTROPHICA, GENERALIZED SEVERE, AUTOSOMAL RECESSIVE; Epidermolysis Bullosa Distrophica Autosomal Recessive (RDEB). Identifiers: Orphanet 79408, Orphanet 79409, MedGen C0079474, MONDO:0009179, OMIM 226600.
Epidermolysis bullosa dystrophica. Also called: Dystrophic epidermolysis bullosa, Hallopeau-Siemens type (formerly); Dystrophic epidermolysis bullosa. Identifiers: Orphanet 303, MedGen C0079294, MONDO:0006543.

Allele frequency attached by ClinVar (database versions not stated): gnomAD exomes below 0.00001.
gnomAD v4.1: 1 of 1,614,024 alleles (0.000062%); highest among the groups gnomAD compares: East Asian, 0.0022%; no homozygotes.

Submissions (3):

Natera, Inc.
Classification: Likely pathogenic for Dystrophic epidermolysis bullosa. Last evaluated: 2026-01-08. Review status: criteria provided, single submitter. Criteria: Natera Variant Classification Schema (03/2026). Collection method: clinical testing. Allele origin: germline.
Comment: The c.8786G>T variant in COL7A1 is a missense variant predicted to cause substitution of cysteine to phenylalanine at amino acid 2929. This variant is rare in the general population with a frequency below the threshold expected for the associated phenotype(s). This variant has been observed in one or more individuals affected with the associated recessive disease, as either homozygous or compound heterozygous with a second variant (PMID: 39167390). A different variant at the same position has been determined to be Pathogenic or Likely Pathogenic. Computational prediction algorithms indicate this variant is likely to affect gene or protein function. Given the available evidence, this variant is classified as Likely Pathogenic.

Women's Health and Genetics/Laboratory Corporation of America, LabCorp
Classification: Likely pathogenic for Recessive dystrophic epidermolysis bullosa. Last evaluated: 2025-11-20. Review status: criteria provided, single submitter. Criteria: LabCorp Variant Classification Summary - May 2015. Collection method: clinical testing. Allele origin: germline.
Comment: Variant summary: COL7A1 c.8786G>T (p.Cys2929Phe) results in a non-conservative amino acid change in the encoded protein sequence. Algorithms developed to predict the effect of missense changes on protein structure and function all suggest that this variant is likely to be disruptive. The variant was absent in 250264 control chromosomes. c.8786G>T has been observed in the presumed or confirmed compound heterozygous state multiple individual(s) affected with Dystrophic Epidermolysis Bullosa, Recessive (example, Zhang_2024, Labcorp Genetics (formerly Invitae)), including at least 1 family where it segregated with disease. These data indicate that the variant may be associated with disease. To our knowledge, no experimental evidence demonstrating an impact on protein function has been reported. The following publications have been ascertained in the context of this evaluation (PMID: 33796225, 39167390). ClinVar contains an entry for this variant (Variation ID: 2783604). To our knowledge, this variant has not been reported in individuals with autosomal dominant epidermolysis bullosa. Based on the evidence outlined above, the variant was classified as likely pathogenic for autosomal recessive epidermolysis bullosa.

Labcorp Genetics (formerly Invitae), Labcorp
Classification: Pathogenic. Last evaluated: 2023-10-13. Review status: criteria provided, single submitter. Criteria: Invitae Variant Classification Sherloc (09022015). Collection method: clinical testing. Allele origin: germline.
Comment: This sequence change replaces cysteine, which is neutral and slightly polar, with phenylalanine, which is neutral and non-polar, at codon 2929 of the COL7A1 protein (p.Cys2929Phe). This variant is not present in population databases (gnomAD no frequency). This missense change has been observed in individual(s) with clinical features of autosomal recessive epidermolysis bullosa (Invitae). In at least one individual the data is consistent with being in trans (on the opposite chromosome) from a pathogenic variant. It has also been observed to segregate with disease in related individuals. Advanced modeling of protein sequence and biophysical properties (such as structural, functional, and spatial information, amino acid conservation, physicochemical variation, residue mobility, and thermodynamic stability) performed at Invitae indicates that this missense variant is expected to disrupt COL7A1 protein function. For these reasons, this variant has been classified as Pathogenic.

Literature cited by the submitters: PubMed 39167390 (cited by Natera, Inc. and Women's Health and Genetics/Laboratory Corporation of America, LabCorp); PubMed 33796225 (cited by Women's Health and Genetics/Laboratory Corporation of America, LabCorp).